The following is an entry in ClinVar:

NM_015346.4(ZFYVE26):c.*1361T>C

Gene: ZFYVE26 (zinc finger FYVE-type containing 26; minus strand). Cytogenetic location: 14q24.1.
Variant type: single nucleotide variant.
Coding change: c.*1361T>C on transcript NM_015346.4 (MANE Select); 1361 bases downstream of the stop codon, T replaced by C.
Molecular consequence: 3 prime UTR variant.
Genome position (GRCh38, 1-based): chr14:67,747,075, A>G on the plus strand (T>C on the coding strand, the complement: ZFYVE26 is on the minus strand). VCF-style: chr14-67747075-A-G. GRCh37 (hg19) VCF-style: chr14-68213792-A-G.
Identifiers: ClinVar variation 313853 (VCV000313853.6), dbSNP rs1044126, ClinGen allele CA10644584.

ClinVar aggregate classification (germline): Benign. Review status: criteria provided, multiple submitters, no conflicts (2 of 4 stars). 2 submissions from 2 submitters: Benign (2). Last evaluated 2018-01-13.

Conditions:
Hereditary spastic paraplegia 15 (SPG15). Also called: SPASTIC PARAPLEGIA 15, AUTOSOMAL RECESSIVE; KJELLIN SYNDROME; SPASTIC PARAPLEGIA AND RETINAL DEGENERATION. Identifiers: Orphanet 100996, MedGen C1849128, MONDO:0010044, OMIM 270700.

Allele frequency attached by ClinVar (database versions not stated): 1000 Genomes Project 30x 0.30762; 1000 Genomes Project 0.31350; TOPMed 0.40648; gnomAD 0.43256 and 0.43636; gnomAD exomes 0.58140.
gnomAD v4.1: 66,162 of 152,528 alleles (43%); highest among the groups gnomAD compares: Non-Finnish European, 60%; 17,096 homozygotes.

Submissions (2):

Illumina Laboratory Services, Illumina
Classification: Benign for Hereditary spastic paraplegia 15. Last evaluated: 2018-01-13. Review status: criteria provided, single submitter. Criteria: ICSL Variant Classification Criteria 13 December 2019. Collection method: clinical testing. Allele origin: germline.
Comment: This variant was observed in the ICSL laboratory as part of a predisposition screen in an ostensibly healthy population. It had not been previously curated by ICSL or reported in the Human Gene Mutation Database (HGMD: prior to June 1st, 2018), and was therefore a candidate for classification through an automated scoring system. Utilizing variant allele frequency, disease prevalence and penetrance estimates, and inheritance mode, an automated score was calculated to assess if this variant is too frequent to cause the disease. Based on the score and internal cut-off values, a variant classified as benign is not then subjected to further curation. The score for this variant resulted in a classification of benign for this disease.

Breakthrough Genomics
Classification: Benign. Review status: criteria provided, single submitter. Criteria: ACMG Guidelines, 2015. Collection method: not provided. Allele origin: germline. Inheritance: Autosomal recessive inheritance. Affected: yes.